The following is an entry in ClinVar:

ClinVar aggregate classification (germline): Uncertain significance (1 of 4 stars; one submission).

Conditions:
BAP1-related tumor predisposition syndrome (TPDS1). Also called: COMMON Syndrome; Tumor susceptibility linked to germline BAP1 mutations; BAP1 tumor predisposition syndrome; TUMOR PREDISPOSITION SYNDROME 1. Identifiers: Orphanet 289539, MedGen C3280492, MONDO:0013692, OMIM 614327.

Submission:

Labcorp Genetics (formerly Invitae), Labcorp
Classification: Uncertain significance for BAP1-related tumor predisposition syndrome. Last evaluated: 2023-05-19. Review status: criteria provided, single submitter. Criteria: Invitae Variant Classification Sherloc (09022015). Collection method: clinical testing. Allele origin: germline.
Comment: ClinVar contains an entry for this variant (Variation ID: 960959). In summary, the available evidence is currently insufficient to determine the role of this variant in disease. Therefore, it has been classified as a Variant of Uncertain Significance. Advanced modeling of protein sequence and biophysical properties (such as structural, functional, and spatial information, amino acid conservation, physicochemical variation, residue mobility, and thermodynamic stability) performed at Invitae indicates that this missense variant is not expected to disrupt BAP1 protein function. This variant has not been reported in the literature in individuals affected with BAP1-related conditions. This variant is not present in population databases (gnomAD no frequency). This sequence change replaces proline, which is neutral and non-polar, with alanine, which is neutral and non-polar, at codon 715 of the BAP1 protein (p.Pro715Ala).

NM_004656.4(BAP1):c.2143C>G (p.Pro715Ala)

Gene: BAP1 (BRCA1 associated deubiquitinase 1; minus strand). Cytogenetic location: 3p21.1.
Variant type: single nucleotide variant.
Coding change: c.2143C>G on transcript NM_004656.4 (MANE Select); coding-DNA position 2143, C replaced by G.
Protein change: p.Pro715Ala; replaces proline 715 with alanine.
Molecular consequence: missense variant.
Genome position (GRCh38, 1-based): chr3:52,402,335, G>C on the plus strand (C>G on the coding strand, the complement: BAP1 is on the minus strand). VCF-style: chr3-52402335-G-C. GRCh37 (hg19) VCF-style: chr3-52436351-G-C.
Other names: short protein forms P715A.
Identifiers: ClinVar variation 960959 (VCV000960959.7), dbSNP rs1704982902, ClinGen allele CA353094142.